The following is an entry in ClinVar:

ClinVar aggregate classification (germline): Uncertain significance. Review status: criteria provided, multiple submitters, no conflicts (2 of 4 stars). 2 submissions from 2 submitters: Uncertain significance (2). Last evaluated 2024-06-25.

Conditions:
Autosomal dominant nonsyndromic hearing loss 65. Also called: Deafness, autosomal dominant 65; TBC1D24-Related Autosomal Dominant Nonsyndromic Hearing Loss (DFNA). Identifiers: Orphanet 90635, MedGen C3892048, MONDO:0014470, OMIM 616044.
Developmental and epileptic encephalopathy, 1 (DEE1). Also called: Epileptic encephalopathy, early infantile, 1; X-linked infantile spasms; West's syndrome; Tonic spasms with clustering, arrest of psychomotor development and hypsarrhythmia on EEG; X-Linked Infantile Spasm Syndrome; OHTAHARA SYNDROME, X-LINKED. Identifiers: MedGen C3463992, MONDO:0010632, OMIM 308350. Disease mechanism: loss of function.
Inborn genetic diseases. Identifiers: MedGen C0950123, MeSH D030342.

Submissions (2):

Labcorp Genetics (formerly Invitae), Labcorp
Classification: Uncertain significance for Developmental and epileptic encephalopathy, 1; Autosomal dominant nonsyndromic hearing loss 65. Last evaluated: 2024-06-25. Review status: criteria provided, single submitter. Criteria: Invitae Variant Classification Sherloc (09022015). Collection method: clinical testing. Allele origin: germline.
Comment: This sequence change replaces isoleucine, which is neutral and non-polar, with threonine, which is neutral and polar, at codon 81 of the TBC1D24 protein (p.Ile81Thr). This variant is not present in population databases (gnomAD no frequency). This variant has not been reported in the literature in individuals affected with TBC1D24-related conditions. ClinVar contains an entry for this variant (Variation ID: 589895). Advanced modeling of protein sequence and biophysical properties (such as structural, functional, and spatial information, amino acid conservation, physicochemical variation, residue mobility, and thermodynamic stability) performed at Invitae indicates that this missense variant is not expected to disrupt TBC1D24 protein function with a negative predictive value of 80%. In summary, the available evidence is currently insufficient to determine the role of this variant in disease. Therefore, it has been classified as a Variant of Uncertain Significance.

Ambry Genetics
Classification: Uncertain significance for Inborn genetic diseases. Last evaluated: 2016-08-17. Review status: criteria provided, single submitter. Criteria: Ambry Variant Classification Scheme 2023. Collection method: clinical testing. Allele origin: germline.
Comment: The p.I81T variant (also known as c.242T>C), located in coding exon 1 of the TBC1D24 gene, results from a T to C substitution at nucleotide position 242. The isoleucine at codon 81 is replaced by threonine, an amino acid with similar properties. This variant was not reported in population based cohorts in the following databases: Database of Single Nucleotide Polymorphisms (dbSNP), NHLBI Exome Sequencing Project (ESP), and 1000 Genomes Project. In the ESP, this variant was not observed in 6430 samples (12860 alleles) with coverage at this position. This amino acid position is highly conserved through mammals but not in all available vertebrate species. In addition, this alteration is predicted to be tolerated by in silico analysis. Since supporting evidence is limited at this time, the clinical significance of this variant remains unclear.

NM_001199107.2(TBC1D24):c.242T>C (p.Ile81Thr)

Gene: TBC1D24 (TBC1 domain family member 24; plus strand). Cytogenetic location: 16p13.3.
Variant type: single nucleotide variant.
Coding change: c.242T>C on transcript NM_001199107.2 (MANE Select); coding-DNA position 242, T replaced by C.
Protein change: p.Ile81Thr; replaces isoleucine 81 with threonine.
Molecular consequence: missense variant.
Genome position (GRCh38, 1-based): chr16:2,496,390, T>C. VCF-style: chr16-2496390-T-C. GRCh37 (hg19) VCF-style: chr16-2546391-T-C.
Other names: c.242T>C, p.Ile81Thr (NM_020705.3); short protein forms I81T.
Identifiers: ClinVar variation 589895 (VCV000589895.7), dbSNP rs1347306529, ClinGen allele CA394375146.